The following is an entry in ClinVar:

NM_000036.3(AMPD1):c.1158_1177del (p.Leu387fs)

Gene: AMPD1 (adenosine monophosphate deaminase 1; minus strand). Cytogenetic location: 1p13.2.
Variant type: Deletion.
Coding change: c.1158_1177del on transcript NM_000036.3 (MANE Select); coding-DNA positions 1158 to 1177, 20 bases deleted (GCTACGGGACCTCTACTTGA).
Protein change: p.Leu387fs; shifts the reading frame from leucine 387.
Molecular consequence: frameshift variant.
Genome position (GRCh38, 1-based): chr1:114,677,957-114,677,976, TCAAGTAGAGGTCCCGTAGC deleted on the plus strand (GCTACGGGACCTCTACTTGA on the coding strand, the reverse complement: AMPD1 is on the minus strand); deleting any 20 consecutive bases within chr1:114,677,957-114,677,979 gives the same sequence; the c. name uses the placement nearest the transcript's 3' end. VCF-style (leftmost placement, unchanged base first): chr1-114677956-TTCAAGTAGAGGTCCCGTAGC-T. GRCh37 (hg19) VCF-style: chr1-115220577-TTCAAGTAGAGGTCCCGTAGC-T.
Other names: c.1146_1165del, p.Leu383fs (NM_001172626.2); short protein forms L383fs, L387fs.
Identifiers: ClinVar variation 2018351 (VCV002018351.4), dbSNP rs2526351945, ClinGen allele CA2580060835.

ClinVar aggregate classification (germline): Uncertain significance (1 of 4 stars; one submission).

Conditions:
Muscle AMP deaminase deficiency (MMDD). Also called: Adenosine monophosphate deaminase 1 deficiency; AMP deaminase 1 deficiency; Adenosine Monophosphate Deaminase 1; Myoadenylate deaminase deficiency, myopathy due to; ADENOSINE MONOPHOSPHATE DEAMINASE-1 DEFICIENCY, MYOPATHY DUE TO; AMPD1 DEFICIENCY. Identifiers: Orphanet 45, MedGen C3714933, MONDO:0014220, OMIM 615511.

Submission:

Labcorp Genetics (formerly Invitae), Labcorp
Classification: Uncertain significance for Muscle AMP deaminase deficiency. Last evaluated: 2022-07-21. Review status: criteria provided, single submitter. Criteria: Invitae Variant Classification Sherloc (09022015). Collection method: clinical testing. Allele origin: germline.
Comment: In summary, the available evidence is currently insufficient to determine the role of this variant in disease. Therefore, it has been classified as a Variant of Uncertain Significance. This variant has not been reported in the literature in individuals affected with AMPD1-related conditions. This variant is not present in population databases (gnomAD no frequency). This sequence change creates a premature translational stop signal (p.Leu420Aspfs*6) in the AMPD1 gene. It is expected to result in an absent or disrupted protein product. However, the current clinical and genetic evidence is not sufficient to establish whether loss-of-function variants in AMPD1 cause disease.